The following is an entry in ClinVar:

NM_001128178.3(NPHP1):c.986T>C (p.Ile329Thr)

Gene: NPHP1 (nephrocystin 1; minus strand). Cytogenetic location: 2q13.
Variant type: single nucleotide variant.
Coding change: c.986T>C on transcript NM_001128178.3 (MANE Select); coding-DNA position 986, T replaced by C.
Protein change: p.Ile329Thr; replaces isoleucine 329 with threonine.
Molecular consequence: missense variant.
Genome position (GRCh38, 1-based): chr2:110,160,224, A>G on the plus strand (T>C on the coding strand, the complement: NPHP1 is on the minus strand). VCF-style: chr2-110160224-A-G. GRCh37 (hg19) VCF-style: chr2-110917801-A-G.
Other names: c.1154T>C, p.Ile385Thr (NM_000272.5); c.797T>C, p.Ile266Thr (NM_001128179.3); c.983T>C, p.Ile328Thr (NM_001374256.1); c.986T>C, p.Ile329Thr (NM_001374257.1); c.1151T>C, p.Ile384Thr (NM_207181.4); c.1154T>C (NM_000272.4, NM_000272.3); short protein forms I385T, I266T, I329T, I384T, I328T.
Identifiers: ClinVar variation 193804 (VCV000193804.9), dbSNP rs794727018, ClinGen allele CA239461.

ClinVar aggregate classification (germline): Uncertain significance. Review status: criteria provided, multiple submitters, no conflicts (2 of 4 stars). 4 submissions from 4 submitters: Uncertain significance (4). Last evaluated 2026-06-08.

Conditions:
NPHP1-related disorder. Also called: NPHP1-related condition; NPHP1-related disorders.
Joubert syndrome with renal defect. Also called: JOUBERT SYNDROME 4. Identifiers: Orphanet 220497, MedGen C1846790, MONDO:0012308, OMIM 609583.
Senior-Loken syndrome 1 (SLSN1). Also called: JUVENILE NEPHRONOPHTHISIS WITH LEBER AMAUROSIS. Identifiers: Orphanet 3156, MedGen C4551559, MONDO:0009962, OMIM 266900.
Nephronophthisis 1 (NPHP1). Also called: Nephronophthisis familial juvenile. Identifiers: Orphanet 655, Orphanet 93592, MedGen C1855681, MONDO:0009728, OMIM 256100.
Nephronophthisis. Also called: Juvenile Nephronophthisis. Identifiers: Orphanet 655, MedGen C0687120, MONDO:0019005, HP:0000090.

Allele frequency attached by ClinVar (database versions not stated): gnomAD exomes below 0.00001 and 0.00001; TOPMed 0.00001.
gnomAD v4.1: 8 of 1,611,890 alleles (0.0005%); highest among the groups gnomAD compares: Non-Finnish European, 0.00068%; no homozygotes.

Submissions (4):

PreventionGenetics, part of Exact Sciences
Classification: Uncertain significance for NPHP1-related condition. Last evaluated: 2026-06-08. Review status: criteria provided, single submitter. Criteria: ACMG Guidelines, 2015. Collection method: clinical testing. Allele origin: germline.
Comment: The NPHP1 c.1154T>C variant is predicted to result in the amino acid substitution p.Ile385Thr. To our knowledge, this variant has not been reported in the literature. This variant is reported in 0.00088% of alleles in individuals of European (Non-Finnish) descent in gnomAD. At this time, the clinical significance of this variant is uncertain due to the absence of conclusive functional and genetic evidence.

Fulgent Genetics
Classification: Uncertain significance for Nephronophthisis 1; Senior-Loken syndrome 1; Joubert syndrome with renal defect. Last evaluated: 2023-12-29. Review status: criteria provided, single submitter. Criteria: ACMG Guidelines, 2015. Collection method: clinical testing. Allele origin: germline.

Labcorp Genetics (formerly Invitae), Labcorp
Classification: Uncertain significance for Nephronophthisis. Last evaluated: 2023-12-07. Review status: criteria provided, single submitter. Criteria: Invitae Variant Classification Sherloc (09022015). Collection method: clinical testing. Allele origin: germline.
Comment: This sequence change replaces isoleucine, which is neutral and non-polar, with threonine, which is neutral and polar, at codon 385 of the NPHP1 protein (p.Ile385Thr). This variant is present in population databases (rs794727018, gnomAD 0.0009%). This variant has not been reported in the literature in individuals affected with NPHP1-related conditions. ClinVar contains an entry for this variant (Variation ID: 193804). Advanced modeling of protein sequence and biophysical properties (such as structural, functional, and spatial information, amino acid conservation, physicochemical variation, residue mobility, and thermodynamic stability) performed at Invitae indicates that this missense variant is not expected to disrupt NPHP1 protein function with a negative predictive value of 80%. In summary, the available evidence is currently insufficient to determine the role of this variant in disease. Therefore, it has been classified as a Variant of Uncertain Significance.

Eurofins Ntd Llc (ga)
Classification: Uncertain significance. Last evaluated: 2015-04-30. Review status: criteria provided, single submitter. Criteria: EGL Classification Definitions 2015. Collection method: clinical testing. Allele origin: germline. Observed: 1 variant allele, 1 heterozygote.